The following is an entry in ClinVar:

NM_000035.4(ALDOB):c.346C>T (p.Leu116Phe)

Gene: ALDOB (aldolase, fructose-bisphosphate B; minus strand). Cytogenetic location: 9q31.1.
Variant type: single nucleotide variant.
Coding change: c.346C>T on transcript NM_000035.4 (MANE Select); coding-DNA position 346, C replaced by T.
Protein change: p.Leu116Phe; replaces leucine 116 with phenylalanine.
Molecular consequence: missense variant.
Genome position (GRCh38, 1-based): chr9:101,428,502, G>A on the plus strand (C>T on the coding strand, the complement: ALDOB is on the minus strand). VCF-style: chr9-101428502-G-A. GRCh37 (hg19) VCF-style: chr9-104190784-G-A.
Other names: c.346C>T (NM_000035.3); short protein forms L116F.
Identifiers: ClinVar variation 2157381 (VCV002157381.2), dbSNP rs1399020736, ClinGen allele CA374265566.
Genomic context (GRCh38, chr9:101,428,502, plus strand): 5'-ATTCATCTCAGTGGGCAATATCCTTACCTTGAATGGTGGTTTCTTTGTTTGTTCCTGCAA[G>A]AGGAGCACCTCCTTGGTCTAACTGTGGATACAAATAATTAACAGGTGTCAGATGTCAGGA-3'
Protein context (NP_000026.2, residues 106-126): GIKLDQGGAP[Leu116Phe]AGTNKETTIQ

ClinVar aggregate classification (germline): Uncertain significance. Review status: criteria provided, multiple submitters, no conflicts (2 of 4 stars). 2 submissions from 2 submitters: Uncertain significance (2). Last evaluated 2024-03-08.

Conditions:
Inborn genetic diseases. Identifiers: MedGen C0950123, MeSH D030342.
Hereditary fructosuria. Also called: ALDOB DEFICIENCY; ALDOLASE B DEFICIENCY; FRUCTOSE-1,6-BISPHOSPHATE ALDOLASE B DEFICIENCY; FRUCTOSE-1-PHOSPHATE ALDOLASE DEFICIENCY; FRUCTOSEMIA; Hereditary fructose intolerance. Identifiers: Orphanet 469, MedGen C0016751, MONDO:0009249, OMIM 229600, HP:0005973. Disease mechanism: loss of function.

Allele frequency attached by ClinVar (database versions not stated): TOPMed below 0.00001; gnomAD 0.00001; gnomAD exomes 0.00001.
gnomAD v4.1: 12 of 1,613,904 alleles (0.00074%); highest among the groups gnomAD compares: Non-Finnish European, 0.001%; no homozygotes.

Submissions (2):

Ambry Genetics
Classification: Uncertain significance for Inborn genetic diseases. Last evaluated: 2024-03-08. Review status: criteria provided, single submitter. Criteria: Ambry Variant Classification Scheme 2023. Collection method: clinical testing. Allele origin: germline.

Labcorp Genetics (formerly Invitae), Labcorp
Classification: Uncertain significance for Hereditary fructosuria. Last evaluated: 2022-05-16. Review status: criteria provided, single submitter. Criteria: Invitae Variant Classification Sherloc (09022015). Collection method: clinical testing. Allele origin: germline.
Comment: This sequence change replaces leucine, which is neutral and non-polar, with phenylalanine, which is neutral and non-polar, at codon 116 of the ALDOB protein (p.Leu116Phe). This variant is present in population databases (no rsID available, gnomAD 0.0009%). This variant has not been reported in the literature in individuals affected with ALDOB-related conditions. Algorithms developed to predict the effect of missense changes on protein structure and function are either unavailable or do not agree on the potential impact of this missense change (SIFT: "Deleterious"; PolyPhen-2: "Probably Damaging"; Align-GVGD: "Class C0"). In summary, the available evidence is currently insufficient to determine the role of this variant in disease. Therefore, it has been classified as a Variant of Uncertain Significance.